The following is an entry in ClinVar:

ClinVar aggregate classification (germline): Uncertain significance. Review status: criteria provided, multiple submitters, no conflicts (2 of 4 stars). 2 submissions from 2 submitters: Uncertain significance (2). Last evaluated 2023-06-30.

Conditions:
DNM2-related disorder. Also called: DNM2-related condition.
Charcot-Marie-Tooth disease dominant intermediate B (CMTDIB). Also called: Charcot-Marie-Tooth disease dominant intermediate 1; CMT DI1; Charcot-Marie-Tooth disease dominant intermediate I; CHARCOT-MARIE-TOOTH NEUROPATHY, DOMINANT INTERMEDIATE B. Identifiers: Orphanet 100044, Orphanet 228179, MedGen C1847902, MONDO:0011674, OMIM 606482.

gnomAD v4.1: 3 of 1,613,706 alleles (0.00019%); highest among the groups gnomAD compares: South Asian, 0.0033%; no homozygotes.

Submissions (2):

Labcorp Genetics (formerly Invitae), Labcorp
Classification: Uncertain significance for Charcot-Marie-Tooth disease dominant intermediate B. Last evaluated: 2023-06-30. Review status: criteria provided, single submitter. Criteria: Invitae Variant Classification Sherloc (09022015). Collection method: clinical testing. Allele origin: germline.
Comment: In summary, the available evidence is currently insufficient to determine the role of this variant in disease. Therefore, it has been classified as a Variant of Uncertain Significance. Advanced modeling of protein sequence and biophysical properties (such as structural, functional, and spatial information, amino acid conservation, physicochemical variation, residue mobility, and thermodynamic stability) has been performed at Invitae for this missense variant, however the output from this modeling did not meet the statistical confidence thresholds required to predict the impact of this variant on DNM2 protein function. ClinVar contains an entry for this variant (Variation ID: 851033). This variant has not been reported in the literature in individuals affected with DNM2-related conditions. This variant is not present in population databases (gnomAD no frequency). This sequence change replaces histidine, which is basic and polar, with glutamine, which is neutral and polar, at codon 776 of the DNM2 protein (p.His776Gln).

PreventionGenetics, part of Exact Sciences
Classification: Uncertain significance for DNM2-related condition. Last evaluated: 2023-03-15. Review status: criteria provided, single submitter. Criteria: ACMG Guidelines, 2015. Collection method: clinical testing. Allele origin: germline.
Comment: The DNM2 c.2328C>A variant is predicted to result in the amino acid substitution p.His776Gln. To our knowledge, this variant has not been reported in the literature or in a large population database, indicating this variant is rare. At this time, the clinical significance of this variant is uncertain due to the absence of conclusive functional and genetic evidence.

NM_001005361.3(DNM2):c.2328C>A (p.His776Gln)

Gene: DNM2 (dynamin 2; plus strand). Cytogenetic location: 19p13.2.
Variant type: single nucleotide variant.
Coding change: c.2328C>A on transcript NM_001005361.3 (MANE Select); coding-DNA position 2328, C replaced by A.
Protein change: p.His776Gln; replaces histidine 776 with glutamine.
Molecular consequence: missense variant.
Genome position (GRCh38, 1-based): chr19:10,830,163, C>A. VCF-style: chr19-10830163-C-A. GRCh37 (hg19) VCF-style: chr19-10940839-C-A.
Other names: c.2328C>A, p.His776Gln (NM_001005360.3, NM_001190716.2); c.2316C>A, p.His772Gln (NM_001005362.3, NM_004945.4); short protein forms H772Q, H776Q.
Identifiers: ClinVar variation 851033 (VCV000851033.10), dbSNP rs766387630, ClinGen allele CA404043684.